The following is an entry in ClinVar:

ClinVar aggregate classification (germline): Uncertain significance. Review status: criteria provided, multiple submitters, no conflicts (2 of 4 stars). 3 submissions from 3 submitters: Uncertain significance (2). 1 of the submissions does not count toward it. Last evaluated 2025-03-07.

Conditions:
VSX2-related disorder. Also called: VSX2-related condition.
Isolated microphthalmia 2. Identifiers: Orphanet 2542, MedGen C1864720, MONDO:0012409, OMIM 610093.

Allele frequency attached by ClinVar (database versions not stated): gnomAD exomes below 0.00001 and 0.00001; TOPMed below 0.00001; gnomAD 0.00001.
gnomAD v4.1: 6 of 1,614,032 alleles (0.00037%); highest among the groups gnomAD compares: Admixed American, 0.0017%; no homozygotes.

Submissions (3):

Labcorp Genetics (formerly Invitae), Labcorp
Classification: Uncertain significance for Isolated microphthalmia 2. Last evaluated: 2025-03-07. Review status: criteria provided, single submitter. Criteria: Invitae Variant Classification Sherloc (09022015). Collection method: clinical testing. Allele origin: germline.
Comment: This sequence change replaces alanine, which is neutral and non-polar, with valine, which is neutral and non-polar, at codon 217 of the VSX2 protein (p.Ala217Val). This variant is present in population databases (no rsID available, gnomAD 0.003%). This variant has not been reported in the literature in individuals affected with VSX2-related conditions. ClinVar contains an entry for this variant (Variation ID: 283826). Invitae Evidence Modeling of protein sequence and biophysical properties (such as structural, functional, and spatial information, amino acid conservation, physicochemical variation, residue mobility, and thermodynamic stability) indicates that this missense variant is expected to disrupt VSX2 protein function with a positive predictive value of 80%. In summary, the available evidence is currently insufficient to determine the role of this variant in disease. Therefore, it has been classified as a Variant of Uncertain Significance.

Eurofins Ntd Llc (ga)
Classification: Uncertain significance. Last evaluated: 2015-10-15. Review status: criteria provided, single submitter. Criteria: EGL Classification Definitions 2015. Collection method: clinical testing. Allele origin: germline. Observed: 1 variant allele, 1 homozygote.

PreventionGenetics, part of Exact Sciences
Classification: Uncertain significance for VSX2-related condition. Last evaluated: 2023-11-30. Review status: no assertion criteria provided. Collection method: clinical testing. Allele origin: germline. Not counted in ClinVar's aggregate classification.
Comment: The VSX2 c.650C>T variant is predicted to result in the amino acid substitution p.Ala217Val. To our knowledge, this variant has not been reported in the literature. This variant is reported in 0.0029% of alleles in individuals of Latino descent in gnomAD. At this time, the clinical significance of this variant is uncertain due to the absence of conclusive functional and genetic evidence.

NM_182894.3(VSX2):c.650C>T (p.Ala217Val)

Gene: VSX2 (visual system homeobox 2; plus strand). Cytogenetic location: 14q24.3.
Variant type: single nucleotide variant.
Coding change: c.650C>T on transcript NM_182894.3 (MANE Select); coding-DNA position 650, C replaced by T.
Protein change: p.Ala217Val; replaces alanine 217 with valine.
Molecular consequence: missense variant.
Genome position (GRCh38, 1-based): chr14:74,259,672, C>T. VCF-style: chr14-74259672-C-T. GRCh37 (hg19) VCF-style: chr14-74726375-C-T.
Other names: c.650C>T (NM_182894.2); short protein forms A217V.
Identifiers: ClinVar variation 283826 (VCV000283826.9), dbSNP rs886042716, ClinGen allele CA10604600.
Genomic context (GRCh38, chr14:74,259,672, plus strand): 5'-AGAACCGTCGAGCCAAGTGGAGGAAGCGGGAGAAGTGCTGGGGCCGGAGCAGTGTCATGG[C>T]GGAGTATGGGCTCTACGGGGCCATGGTGCGGCACTCCATCCCCCTGCCCGAGTCCATCCT-3'
Protein context (NP_878314.1, residues 207-227): EKCWGRSSVM[Ala217Val]EYGLYGAMVR